The following is an entry in ClinVar:

NM_002972.4(SBF1):c.4813-1G>T

Gene: SBF1 (SET binding factor 1; minus strand). Cytogenetic location: 22q13.33.
Variant type: single nucleotide variant.
Coding change: c.4813-1G>T on transcript NM_002972.4 (MANE Select); the canonical splice acceptor site of the intron before coding-DNA position 4813, G replaced by T.
Molecular consequence: splice acceptor variant.
Genome position (GRCh38, 1-based): chr22:50,454,743, C>A on the plus strand (G>T on the coding strand, the complement: SBF1 is on the minus strand). VCF-style: chr22-50454743-C-A. GRCh37 (hg19) VCF-style: chr22-50893172-C-A.
Other names: c.4735-1G>T (NM_001410795.1); c.4738-1G>T (NM_001365819.1); c.4816-1G>T (NM_001410794.1).
Identifiers: ClinVar variation 2124472 (VCV002124472.4), dbSNP rs2521824422, ClinGen allele CA412192783.

ClinVar aggregate classification (germline): Likely pathogenic (1 of 4 stars; one submission).

Submission:

Labcorp Genetics (formerly Invitae), Labcorp
Classification: Likely pathogenic. Last evaluated: 2022-04-11. Review status: criteria provided, single submitter. Criteria: Invitae Variant Classification Sherloc (09022015). Collection method: clinical testing. Allele origin: germline.
Comment: This variant is not present in population databases (gnomAD no frequency). In summary, the currently available evidence indicates that the variant is pathogenic, but additional data are needed to prove that conclusively. Therefore, this variant has been classified as Likely Pathogenic. Algorithms developed to predict the effect of sequence changes on RNA splicing suggest that this variant may disrupt the consensus splice site. This variant has not been reported in the literature in individuals affected with SBF1-related conditions. This sequence change affects an acceptor splice site in intron 35 of the SBF1 gene. It is expected to disrupt RNA splicing. Variants that disrupt the donor or acceptor splice site typically lead to a loss of protein function (PMID: 16199547), and loss-of-function variants in SBF1 are known to be pathogenic (PMID: 28005197, 28902413).

Literature cited by the submitters: PubMed 16199547; PubMed 28005197; PubMed 28902413.